The following is an entry in ClinVar:

ClinVar aggregate classification (germline): Uncertain significance (1 of 4 stars; one submission).

Conditions:
Von Hippel-Lindau syndrome (VHLS). Also called: von Hippel–Lindau syndrome; VHL syndrome; Von Hippel-Lindau. Identifiers: Orphanet 892, MedGen C0019562, MONDO:0008667, OMIM 193300. Disease mechanism: loss of function.
Chuvash polycythemia. Also called: POLYCYTHEMIA, VHL-DEPENDENT. Identifiers: Orphanet 238557, MedGen C1837915, MONDO:0009892, OMIM 263400.

Allele frequency attached by ClinVar (database versions not stated): TOPMed 0.00001.

Submission:

Labcorp Genetics (formerly Invitae), Labcorp
Classification: Uncertain significance for Von Hippel-Lindau syndrome; Chuvash polycythemia. Last evaluated: 2024-09-23. Review status: criteria provided, single submitter. Criteria: Invitae Variant Classification Sherloc (09022015). Collection method: clinical testing. Allele origin: germline.
Comment: This sequence change falls in intron 1 of the VHL gene. It is not expected to change the encoded amino acid sequence of the VHL protein. However, this sequence change falls within a cryptic exon in the VHL gene, known as exon E1’, which is naturally expressed at low levels in several human tissues (PMID: 29891534). This variant is not present in population databases (gnomAD no frequency). This variant has not been reported in the literature in individuals affected with VHL-related conditions. ClinVar contains an entry for this variant (Variation ID: 955116). Experimental studies and prediction algorithms are not available or were not evaluated, and the functional significance of this variant is currently unknown. Algorithms developed to predict the effect of sequence changes on RNA splicing suggest that this variant is not likely to affect RNA splicing. In summary, the available evidence is currently insufficient to determine the role of this variant in disease. Therefore, it has been classified as a Variant of Uncertain Significance.

Literature cited by the submitters: PubMed 29891534.

NM_000551.4(VHL):c.340+811G>C

Genes: VHL (von Hippel-Lindau tumor suppressor; plus strand), LOC107303340 (3p25 von Hippel-Lindau tumor suppressor, E3 ubiquitin protein ligase Alu-mediated recombination region; plus strand). Cytogenetic location: 3p25.3.
Variant type: single nucleotide variant.
Coding change: c.340+811G>C on transcript NM_000551.4 (MANE Select); 811 bases into the intron after coding-DNA position 340, G replaced by C.
Molecular consequence: intron variant. On other transcripts: missense variant (1).
Genome position (GRCh38, 1-based): chr3:10,142,998, G>C. VCF-style: chr3-10142998-G-C. GRCh37 (hg19) VCF-style: chr3-10184682-G-C.
Other names: c.576G>C, p.Met192Ile (NM_001354723.2); c.340+811G>C (NM_198156.3); short protein forms M192I.
Identifiers: ClinVar variation 955116 (VCV000955116.10), dbSNP rs1174101376, ClinGen allele CA896160338.